The following is an entry in ClinVar:

ClinVar aggregate classification (germline): Pathogenic. Review status: criteria provided, multiple submitters, no conflicts (2 of 4 stars). 3 submissions from 3 submitters: Pathogenic (2). 1 of the submissions does not count toward it. Last evaluated 2023-05-24.

Conditions:
Cardiomyopathy, dilated, with wooly hair, keratoderma, and tooth agenesis. Also called: Erythrokeratodermia-cardiomyopathy syndrome; Cardiomyopathy, dilated, with woolly hair, keratoderma, and tooth agenesis. Identifiers: Orphanet 476096, Orphanet 65282, MedGen C4014393, MONDO:0014355, OMIM 615821.
Arrhythmogenic right ventricular dysplasia 8 (ARVD8). Also called: Arrhythmogenic Right Ventricular Dysplasia/Cardiomyopathy 8; ARRHYTHMOGENIC RIGHT VENTRICULAR DYSPLASIA, FAMILIAL, 8; ARRHYTHMOGENIC RIGHT VENTRICULAR CARDIOMYOPATHY 8. Identifiers: MedGen C1843896, MONDO:0011831, OMIM 607450.
Arrhythmogenic cardiomyopathy with wooly hair and keratoderma. Also called: PALMOPLANTAR KERATODERMA WITH LEFT VENTRICULAR CARDIOMYOPATHY AND WOOLLY HAIR; Carvajal syndrome; Dilated cardiomyopathy with woolly hair and keratoderma; Arrhythmogenic cardiomyopathy with woolly hair and keratoderma. Identifiers: Orphanet 65282, MedGen C1854063, MONDO:0011581, OMIM 605676.
Cardiovascular phenotype. Identifiers: MedGen CN230736.

Submissions (3):

Labcorp Genetics (formerly Invitae), Labcorp
Classification: Pathogenic for Arrhythmogenic cardiomyopathy with wooly hair and keratoderma; Arrhythmogenic right ventricular dysplasia 8. Last evaluated: 2023-05-24. Review status: criteria provided, single submitter. Criteria: Invitae Variant Classification Sherloc (09022015). Collection method: clinical testing. Allele origin: germline.
Comment: This variant is not present in population databases (gnomAD no frequency). For these reasons, this variant has been classified as Pathogenic. ClinVar contains an entry for this variant (Variation ID: 1796736). This variant has not been reported in the literature in individuals affected with DSP-related conditions. This sequence change creates a premature translational stop signal (p.Gln948Lysfs*29) in the DSP gene. It is expected to result in an absent or disrupted protein product. Loss-of-function variants in DSP are known to be pathogenic (PMID: 20716751, 24503780, 25227139).

Ambry Genetics
Classification: Pathogenic for Cardiovascular phenotype. Last evaluated: 2021-10-01. Review status: criteria provided, single submitter. Criteria: Ambry Variant Classification Scheme 2023. Collection method: clinical testing. Allele origin: germline.
Comment: The c.2842delC pathogenic mutation, located in coding exon 20 of the DSP gene, results from a deletion of one nucleotide at nucleotide position 2842, causing a translational frameshift with a predicted alternate stop codon (p.Q948Kfs*29). Alterations in DSP that result in haploinsufficiency or protein truncation have been reported in patients with arrhythmogenic right ventricular cardiomyopathy (ARVC) and dilated cardiomyopathy (DCM) (Fressart V et al. Europace. 2010;12(6):861-8; Elliott P et al. Circ Cardiovasc Genet. 2010;3(4):314-22; Quarta G et al. Circulation. 2011;123(23):2701-9; Garcia-Pavia P et al. Heart. 2011;97(21):1744-52; Rasmussen TB et al. Clin Genet. 2013;84(1):20-30; Pugh TJ et al. Genet Med. 2014;16(8):601-8). This alteration is expected to result in loss of function by premature protein truncation or nonsense-mediated mRNA decay. As such, this alteration is interpreted as a disease-causing mutation.

Clinical Genetics Laboratory, University Hospital Schleswig-Holstein
Classification: Pathogenic for Cardiomyopathy, dilated, with wooly hair, keratoderma, and tooth agenesis. Last evaluated: 2024-10-15. Review status: no assertion criteria provided. Collection method: clinical testing. Allele origin: germline. Affected: yes. Not counted in ClinVar's aggregate classification.

Literature cited by the submitters: PubMed 20716751 (cited by Labcorp Genetics (formerly Invitae), Labcorp); PubMed 24503780 (cited by Labcorp Genetics (formerly Invitae), Labcorp); PubMed 25227139 (cited by Labcorp Genetics (formerly Invitae), Labcorp).

NM_004415.4(DSP):c.2842del (p.Gln948fs)

Gene: DSP (desmoplakin; plus strand). Cytogenetic location: 6p24.3.
Variant type: Deletion.
Coding change: c.2842del on transcript NM_004415.4 (MANE Select); coding-DNA position 2842, one base deleted (C; older notation c.2842delC).
Protein change: p.Gln948fs; shifts the reading frame from glutamine 948.
Molecular consequence: frameshift variant.
Genome position (GRCh38, 1-based): chr6:7,577,007, C deleted. VCF-style (leftmost placement, unchanged base first): chr6-7577006-AC-A. GRCh37 (hg19) VCF-style: chr6-7577239-AC-A.
Other names: c.2842del, p.Gln948fs (NM_001008844.3, NM_001319034.2); short protein forms Q948fs.
Identifiers: ClinVar variation 1796736 (VCV001796736.8), dbSNP rs2533913945, ClinGen allele CA2580075384.
Genomic context (GRCh38, chr6:7,577,006, plus strand): 5'-ACTTTTTGTATAGAACTTGCACAGTGAAATATCTGGCAAACGAGACAAATCAGAGGAAGT[AC>A]AAAAAATTGCTGAACTTTGCGCCAATTCAATTAAGGTATGTTGGTTTCATAAAGAATGTT-3'